The following is an entry in ClinVar:

NM_000257.4(MYH7):c.3246-11del

Gene: MYH7 (myosin heavy chain 7; minus strand). Cytogenetic location: 14q11.2.
Variant type: Deletion.
Coding change: c.3246-11del on transcript NM_000257.4 (MANE Select); 11 bases into the intron before coding-DNA position 3246, one base deleted (C; older notation c.3246-11delC).
Molecular consequence: intron variant.
Genome position (GRCh38, 1-based): chr14:23,421,059, G deleted on the plus strand (C on the coding strand, the reverse complement: MYH7 is on the minus strand); the first of 2 consecutive G bases (chr14:23,421,059-23,421,060); deleting either gives the same sequence. VCF-style (leftmost placement, unchanged base first): chr14-23421058-AG-A. GRCh37 (hg19) VCF-style: chr14-23890267-AG-A.
Other names: c.3246-11del (NM_001407004.1).
Identifiers: ClinVar variation 3069628 (VCV003069628.1), dbSNP rs1566528546, ClinGen allele CA612937001.
Genomic context (GRCh38, chr14:23,421,058, plus strand): 5'-GCCTGTTCATCCTCAATCCTTGCGTTGAGAGCATTCAGCTCAAAGTCTTTTCTGTGGGGA[AG>A]GAGGGATGGTGAGGTAAGGGAGACTCGTGGGGCCTCAGGAGGGTCCACCAGTGGTTGAAA-3'

ClinVar aggregate classification (germline): Likely benign (1 of 4 stars; one submission).

Conditions:
Cardiomyopathy (CMYO). Also called: Cardiomyopathies. Identifiers: Orphanet 167848, MedGen C0878544, MONDO:0004994, HP:0001638. Inheritance: Various modes of inheritance.

Submission:

All of Us Research Program, National Institutes of Health
Classification: Likely benign for Cardiomyopathy. Last evaluated: 2023-02-24. Review status: criteria provided, single submitter. Criteria: ACMG Guidelines, 2015. Collection method: clinical testing. Allele origin: germline. Inheritance: Autosomal dominant inheritance. Observed: 1 variant allele, 1 heterozygote.
Comment: This study involves interpretation of variants in research participants for the purpose of population health screening. Participant phenotype was not available at the time of variant classification. Additional details can be found in publication PMID: 35346344, PMCID: PMC8962531